The following is an entry in ClinVar:

ClinVar aggregate classification (germline): Uncertain significance. Review status: criteria provided, multiple submitters, no conflicts (2 of 4 stars). 2 submissions from 2 submitters: Uncertain significance (2). Last evaluated 2026-03-04.

Conditions:
Mitochondrial hypertrophic cardiomyopathy with lactic acidosis due to MTO1 deficiency. Also called: Combined oxidative phosphorylation deficiency 10; CARDIOMYOPATHY, INFANTILE HYPERTROPHIC MITOCHONDRIAL, AND LACTIC ACIDOSIS. Identifiers: Orphanet 314637, MedGen C4749921, MONDO:0013865, OMIM 614702.

Allele frequency attached by ClinVar (database versions not stated): TOPMed 0.00003; gnomAD 0.00004; gnomAD exomes 0.00004 and 0.00007; ESP Exome Variant Server 0.00008; ExAC 0.00009.
gnomAD v4.1: 64 of 1,609,906 alleles (0.004%); highest among the groups gnomAD compares: South Asian, 0.054%; no homozygotes.

Submissions (3):

GeneDx
Classification: Uncertain significance. Last evaluated: 2026-03-04. Review status: criteria provided, single submitter. Criteria: GeneDx Variant Classification Process June 2021. Collection method: clinical testing. Allele origin: germline.
Comment: Has not been previously published as pathogenic or benign to our knowledge; In silico analysis suggests that this missense variant does not alter protein structure/function; In silico analysis supports that this missense variant has a deleterious effect on protein structure/function

Labcorp Genetics (formerly Invitae), Labcorp
Classification: Uncertain significance for Mitochondrial hypertrophic cardiomyopathy with lactic acidosis due to MTO1 deficiency. Last evaluated: 2022-08-23. Review status: criteria provided, single submitter. Criteria: Invitae Variant Classification Sherloc (09022015). Collection method: clinical testing. Allele origin: germline.
Comment: This sequence change replaces isoleucine, which is neutral and non-polar, with valine, which is neutral and non-polar, at codon 537 of the MTO1 protein (p.Ile537Val). This variant is present in population databases (rs149727324, gnomAD 0.05%). This variant has not been reported in the literature in individuals affected with MTO1-related conditions. ClinVar contains an entry for this variant (Variation ID: 850387). Algorithms developed to predict the effect of missense changes on protein structure and function output the following: SIFT: "Tolerated"; PolyPhen-2: "Benign"; Align-GVGD: "Class C0". The valine amino acid residue is found in multiple mammalian species, which suggests that this missense change does not adversely affect protein function. Algorithms developed to predict the effect of sequence changes on RNA splicing suggest that this variant may disrupt the consensus splice site. In summary, the available evidence is currently insufficient to determine the role of this variant in disease. Therefore, it has been classified as a Variant of Uncertain Significance.

Dr. Peter K. Rogan Lab, Western University
No classification provided (evidence only). Condition: Malignant tumor of esophagus. Review status: no classification provided. Collection method: in vitro. Allele origin: not applicable. Functional consequence: retained intron. Not counted in ClinVar's aggregate classification.

NM_012123.4(MTO1):c.1609A>G (p.Ile537Val)

Gene: MTO1 (mitochondrial tRNA translation optimization 1; plus strand). Cytogenetic location: 6q13.
Variant type: single nucleotide variant.
Coding change: c.1609A>G on transcript NM_012123.4 (MANE Select); coding-DNA position 1609, A replaced by G.
Protein change: p.Ile537Val; replaces isoleucine 537 with valine.
Molecular consequence: missense variant.
Genome position (GRCh38, 1-based): chr6:73,482,592, A>G. VCF-style: chr6-73482592-A-G. GRCh37 (hg19) VCF-style: chr6-74192315-A-G.
Other names: c.1729A>G, p.Ile577Val (NM_001123226.2); c.1684A>G, p.Ile562Val (NM_133645.3); short protein forms I562V, I577V, I537V.
Identifiers: ClinVar variation 850387 (VCV000850387.9), dbSNP rs149727324, ClinGen allele CA3889687.